The following is an entry in ClinVar:

NM_003611.3(OFD1):c.2171G>A (p.Arg724Lys)

Gene: OFD1 (OFD1 centriole and centriolar satellite protein; plus strand). Cytogenetic location: Xp22.2.
Variant type: single nucleotide variant.
Coding change: c.2171G>A on transcript NM_003611.3 (MANE Select); coding-DNA position 2171, G replaced by A.
Protein change: p.Arg724Lys; replaces arginine 724 with lysine.
Molecular consequence: missense variant.
Genome position (GRCh38, 1-based): chrX:13,760,631, G>A. VCF-style: chrX-13760631-G-A. GRCh37 (hg19) VCF-style: chrX-13778750-G-A.
Other names: c.2051G>A, p.Arg684Lys (NM_001330209.2); c.1751G>A, p.Arg584Lys (NM_001330210.2); short protein forms R684K, R584K, R724K.
Identifiers: ClinVar variation 2938075 (VCV002938075.3), dbSNP rs772635124, ClinGen allele CA326120532.

ClinVar aggregate classification (germline): Uncertain significance (1 of 4 stars; one submission).

Conditions:
Joubert syndrome. Also called: CEREBELLOPARENCHYMAL DISORDER IV; JOUBERT-BOLTSHAUSER SYNDROME; Familial aplasia of the vermis. Identifiers: Orphanet 475, MedGen C5979921, MONDO:0018772.
Orofaciodigital syndrome I (OFD1). Also called: OFDS I; Papillon-Leage and Psaume Syndrome; Oral-Facial-Digital Syndrome Type I. Identifiers: Orphanet 2750, MedGen C1510460, MONDO:0010702, OMIM 311200.

Allele frequency attached by ClinVar (database versions not stated): gnomAD exomes 0.00002.
gnomAD v4.1: 16 of 1,211,400 alleles (0.0013%); highest among the groups gnomAD compares: Non-Finnish European, 0.0018%; no homozygotes.

Submission:

Labcorp Genetics (formerly Invitae), Labcorp
Classification: Uncertain significance for Orofaciodigital syndrome I; Joubert syndrome. Last evaluated: 2022-10-27. Review status: criteria provided, single submitter. Criteria: Invitae Variant Classification Sherloc (09022015). Collection method: clinical testing. Allele origin: germline.
Comment: This variant has not been reported in the literature in individuals affected with OFD1-related conditions. This variant is not present in population databases (gnomAD no frequency). This sequence change replaces arginine, which is basic and polar, with lysine, which is basic and polar, at codon 724 of the OFD1 protein (p.Arg724Lys). Advanced modeling of protein sequence and biophysical properties (such as structural, functional, and spatial information, amino acid conservation, physicochemical variation, residue mobility, and thermodynamic stability) performed at Invitae indicates that this missense variant is not expected to disrupt OFD1 protein function. In summary, the available evidence is currently insufficient to determine the role of this variant in disease. Therefore, it has been classified as a Variant of Uncertain Significance.